The following is an entry in ClinVar:

ClinVar aggregate classification (germline): Uncertain significance. Review status: criteria provided, multiple submitters, no conflicts (2 of 4 stars). 3 submissions from 3 submitters: Uncertain significance (3). Last evaluated 2025-10-06.

Conditions:
Inborn genetic diseases. Identifiers: MedGen C0950123, MeSH D030342.

Allele frequency attached by ClinVar (database versions not stated): gnomAD 0.00001; gnomAD exomes 0.00001; TOPMed 0.00001.
gnomAD v4.1: 8 of 1,613,164 alleles (0.0005%); highest among the groups gnomAD compares: Admixed American, 0.0067%; no homozygotes.

Submissions (3):

Ambry Genetics
Classification: Uncertain significance for Inborn genetic diseases. Last evaluated: 2025-10-06. Review status: criteria provided, single submitter. Criteria: Ambry Variant Classification Scheme 2023. Collection method: clinical testing. Allele origin: germline.

Labcorp Genetics (formerly Invitae), Labcorp
Classification: Uncertain significance. Last evaluated: 2024-03-19. Review status: criteria provided, single submitter. Criteria: Invitae Variant Classification Sherloc (09022015). Collection method: clinical testing. Allele origin: germline.
Comment: This sequence change replaces methionine, which is neutral and non-polar, with leucine, which is neutral and non-polar, at codon 287 of the NR2F1 protein (p.Met287Leu). This variant is present in population databases (rs751163796, gnomAD 0.006%). This variant has not been reported in the literature in individuals affected with NR2F1-related conditions. ClinVar contains an entry for this variant (Variation ID: 1387854). Advanced modeling of protein sequence and biophysical properties (such as structural, functional, and spatial information, amino acid conservation, physicochemical variation, residue mobility, and thermodynamic stability) performed at Invitae indicates that this missense variant is not expected to disrupt NR2F1 protein function with a negative predictive value of 80%. In summary, the available evidence is currently insufficient to determine the role of this variant in disease. Therefore, it has been classified as a Variant of Uncertain Significance.

Blueprint Genetics
Classification: Uncertain significance. Last evaluated: 2020-11-06. Review status: criteria provided, single submitter. Criteria: ACMG Guidelines, 2015. Collection method: clinical testing. Allele origin: germline.

NM_005654.6(NR2F1):c.859A>T (p.Met287Leu)

Gene: NR2F1 (nuclear receptor subfamily 2 group F member 1; plus strand). Cytogenetic location: 5q15.
Variant type: single nucleotide variant.
Coding change: c.859A>T on transcript NM_005654.6 (MANE Select); coding-DNA position 859, A replaced by T.
Protein change: p.Met287Leu; replaces methionine 287 with leucine.
Molecular consequence: missense variant.
Genome position (GRCh38, 1-based): chr5:93,588,312, A>T. VCF-style: chr5-93588312-A-T. GRCh37 (hg19) VCF-style: chr5-92924018-A-T.
Other names: c.859A>T (NM_005654.4); short protein forms M287L.
Identifiers: ClinVar variation 1387854 (VCV001387854.8), dbSNP rs751163796, ClinGen allele CA123266526.